The following is an entry in ClinVar:

NM_004766.3(COPB2):c.1032A>C (p.Ala344=)

Gene: COPB2 (coat protein complex I subunit beta 2; minus strand). Cytogenetic location: 3q23.
Variant type: single nucleotide variant.
Coding change: c.1032A>C on transcript NM_004766.3 (MANE Select); coding-DNA position 1032, A replaced by C.
Protein change: p.Ala344=; no amino-acid change (alanine 344 retained).
Molecular consequence: synonymous variant. On other transcripts: non-coding transcript variant (1).
Genome position (GRCh38, 1-based): chr3:139,373,275, T>G on the plus strand (A>C on the coding strand, the complement: COPB2 is on the minus strand). VCF-style: chr3-139373275-T-G. GRCh37 (hg19) VCF-style: chr3-139092117-T-G.
Other names: c.945A>C, p.Ala315= (NM_001410834.1).
Identifiers: ClinVar variation 4084032 (VCV004084032.8).
Genomic context (GRCh38, chr3:139,373,275, plus strand): 5'-CCCATTAGGATTGTGCTGAATAGTCTGAGGGTATATTTCACAACTGCCCATATCCTTTAC[T>G]GCCAGTGGCAATCTTTCACCATCTTTAATTTCAGCATCTCCCATTGCTTTTAGGTTGGCC-3'
Protein context (NP_004757.1, residues 334-354): EIKDGERLPL[Ala344=]VKDMGSCEIY

ClinVar aggregate classification (germline): Likely benign (1 of 4 stars; one submission).

gnomAD v4.1: 182 of 1,614,060 alleles (0.011%); highest among the groups gnomAD compares: Non-Finnish European, 0.015%; no homozygotes.

Submission:

CeGaT Center for Human Genetics Tuebingen
Classification: Likely benign. Last evaluated: 2025-07-01. Review status: criteria provided, single submitter. Criteria: CeGaT Center For Human Genetics Tuebingen Variant Classification Criteria Version 2. Collection method: clinical testing. Allele origin: germline. Affected: yes. Observed: 1 variant allele.
Comment: COPB2: BP4, BP7